The following continues an entry in ClinVar:

NM_000492.3(CFTR):c.1210-12T[5]

ClinVar aggregate classification (germline): Pathogenic/Likely pathogenic. Pathogenic (23); Likely pathogenic (4).

Submissions 32 to 47 of 48:

Dr. Peter K. Rogan Lab, Western University
No classification provided (evidence only). Condition: Colon adenocarcinoma. Review status: no classification provided. Collection method: in vitro. Allele origin: not applicable. Functional consequence: skipped exon. Not counted in ClinVar's aggregate classification.

Dr. Peter K. Rogan Lab, Western University
No classification provided (evidence only). Condition: Colon adenocarcinoma. Review status: no classification provided. Collection method: in vitro. Allele origin: not applicable. Functional consequence: skipped exon. Not counted in ClinVar's aggregate classification.

Dr. Peter K. Rogan Lab, Western University
No classification provided (evidence only). Condition: Colon adenocarcinoma. Review status: no classification provided. Collection method: in vitro. Allele origin: not applicable. Functional consequence: skipped exon. Not counted in ClinVar's aggregate classification.

Dr. Peter K. Rogan Lab, Western University
No classification provided (evidence only). Condition: Colon adenocarcinoma. Review status: no classification provided. Collection method: in vitro. Allele origin: not applicable. Functional consequence: skipped exon. Not counted in ClinVar's aggregate classification.

Dr. Peter K. Rogan Lab, Western University
No classification provided (evidence only). Condition: Nonpapillary renal cell carcinoma. Review status: no classification provided. Collection method: in vitro. Allele origin: not applicable. Functional consequence: retained intron. Not counted in ClinVar's aggregate classification.

Dr. Peter K. Rogan Lab, Western University
No classification provided (evidence only). Condition: Gastric cancer. Review status: no classification provided. Collection method: in vitro. Allele origin: not applicable. Functional consequence: retained intron. Not counted in ClinVar's aggregate classification.

Dr. Peter K. Rogan Lab, Western University
No classification provided (evidence only). Condition: Malignant tumor of esophagus. Review status: no classification provided. Collection method: in vitro. Allele origin: not applicable. Functional consequence: skipped exon. Not counted in ClinVar's aggregate classification.

Dr. Peter K. Rogan Lab, Western University
No classification provided (evidence only). Condition: Malignant tumor of esophagus. Review status: no classification provided. Collection method: in vitro. Allele origin: not applicable. Functional consequence: skipped exon, retained intron. Not counted in ClinVar's aggregate classification.

Dr. Peter K. Rogan Lab, Western University
No classification provided (evidence only). Condition: Malignant tumor of esophagus. Review status: no classification provided. Collection method: in vitro. Allele origin: not applicable. Functional consequence: skipped exon, retained intron. Not counted in ClinVar's aggregate classification.

Dr. Peter K. Rogan Lab, Western University
No classification provided (evidence only). Condition: Familial pancreatic carcinoma. Review status: no classification provided. Collection method: in vitro. Allele origin: not applicable. Functional consequence: skipped exon, retained intron. Not counted in ClinVar's aggregate classification.

Dr. Peter K. Rogan Lab, Western University
No classification provided (evidence only). Condition: Familial pancreatic carcinoma. Review status: no classification provided. Collection method: in vitro. Allele origin: not applicable. Functional consequence: skipped exon. Not counted in ClinVar's aggregate classification.

Dr. Peter K. Rogan Lab, Western University
No classification provided (evidence only). Condition: Familial pancreatic carcinoma. Review status: no classification provided. Collection method: in vitro. Allele origin: not applicable. Functional consequence: skipped exon, retained intron. Not counted in ClinVar's aggregate classification.

Dr. Peter K. Rogan Lab, Western University
No classification provided (evidence only). Condition: Ovarian cancer. Review status: no classification provided. Collection method: in vitro. Allele origin: not applicable. Functional consequence: skipped exon, retained intron. Not counted in ClinVar's aggregate classification.

GeneReviews
No classification provided. Condition: Cystic fibrosis. Review status: no classification provided. Collection method: literature only. Allele origin: unknown. Not counted in ClinVar's aggregate classification.
Comment: The severity of lung disease in individuals heterozygous or homozygous for p.Arg117His depends on the presence of a variation in the poly T tract of intron 9, c.1210-12T[5_9] [Massie et al 2001]. Individuals with a CF-causing variant plus the 5T variant in cis with p.Arg117His usually develop the lung disease of CF, but those individuals with p.Arg117His and the 7T variant or the 9T variant have a highly variable phenotype that can range from no symptoms to mild lung disease [Kiesewetter et al 1993, Chmiel et al 1999].

Genomic Medicine Center of Excellence, King Faisal Specialist Hospital and Research Centre
Classification: Uncertain significance for Cystic fibrosis. Last evaluated: 2024-03-26. Review status: flagged submission. Criteria: ACMG Guidelines, 2015. Collection method: clinical testing. Allele origin: germline. Not counted in ClinVar's aggregate classification.
ClinVar note: Reason: Outlier claim with insufficient supporting evidence

Dubai Health Genomic Medicine Center, Dubai Health
Classification: Pathogenic. Last evaluated: 2020-02-08. Review status: flagged submission. Criteria: ACMG Guidelines, 2015. Collection method: clinical testing. Allele origin: germline. Affected: yes. Not counted in ClinVar's aggregate classification.
Comment: The c.1210-12T[5] variant also referred to as the 5T allele occurs in the poly T tract in intron 8 of the CFTR gene. This variant acts as a disease susceptibility variant with reduced penetrance and variable expressivity1. Specifically the 5T variant has been associated with recessive CFTR-related disorders when seen in trans with another severe pathogenic variant in the CFTR gene. Disease features described include elevated sweat chloride levels congenital bilateral absence of the vas deferens (CBAVD) in males and non-classic to classic cystic fibrosis12. However the penetrance of the 5T allele is influenced by the presence of other variants (e.g. R117H) and the length of the adjacent TG tract on the same allele (in cis). Longer TG repeat sizes (TG12 and TG13) in cis with 5T are associated with a greater susceptibility to disease than when in cis with a smaller TG repeat size (TG11)134. RNA studies demonstrate that the c.1210-12T[5] variant affects mRNA splicing56. The c.1210-12T[5] variant has been observed in 7% (1260/17968 25 homozygotes) and 2.9% (3015/103332 13 homozygotes) African and European Non Finnish alleles respectively. Therefore based on the information available we interpret c.1210-12T[5] as a pathogenic variant with reduced penetrance and variable expressivity. 1. Ong T Marshall S. Karczeski B. et al. Cystic Fibrosis and Congenital Absence of the Vas Deferens. 2001 Mar 26 [Updated 2017 Feb 2]. In: Adam MP Ardinger HH Pagon RA et al. editors. GeneReviews® [Internet]. Seattle (WA): University of Washington Seattle 1993-2019. Available from an online resource 2. Chillón M. Casals T. et al. Mutations in the cystic fibrosis gene in patients with congenital absence of the vas deferens. N Engl J Med. Jun 1332(22):1475-80. (1995) 3. Cuppens H Lin W Jaspers M et al. Polyvariant mutant cystic fibrosis transmembrane conductance regulator genes. The polymorphic (Tg)m locus explains the partial penetrance of the T5 polymorphism as a disease mutation. J Clin Invest.101(2):487–496. (1998) 4 Groman JD Hefferon TW Casals T et al. Variation in a repeat sequence determines whether a common variant of the cystic fibrosis transmembrane conductance regulator gene is pathogenic or benign. Am J Hum Genet.74(1):176–179.(2004) 5 Chu CS Trapnell BC Curristin SM Cutting GR Crystal RG. Extensive posttranscriptional deletion of the coding sequences for part of nucleotide-binding fold 1 in respiratory epithelial mRNA transcripts of the cystic fibrosis transmembrane conductance regulator gene is not associated with the clinical manifestations of cystic fibrosis. J Clin Invest. 90(3):785–790. (1992) 6. Hefferon TW Broackes-Carter FC Harris A Cutting GR. Atypical 5' splice sites cause CFTR exon 9 to be vulnerable to skipping. Am J Hum Genet. 71(2):294–303. (2002)
ClinVar note: Reason: This record appears to be redundant with a more recent record from the same submitter.
ClinVar note: Notes: SCV001984010 appears to be redundant with SCV002818248.